The following is an entry in ClinVar:

NM_000091.5(COL4A3):c.2954G>T (p.Gly985Val)

Genes: COL4A3 (collagen type IV alpha 3 chain; plus strand), MFF-DT (MFF divergent transcript; minus strand). Cytogenetic location: 2q36.3.
Variant type: single nucleotide variant.
Coding change: c.2954G>T on transcript NM_000091.5 (MANE Select); coding-DNA position 2954, G replaced by T.
Protein change: p.Gly985Val; replaces glycine 985 with valine.
Molecular consequence: missense variant.
Genome position (GRCh38, 1-based): chr2:227,289,222, G>T. VCF-style: chr2-227289222-G-T. GRCh37 (hg19) VCF-style: chr2-228153938-G-T.
Other names: p.(Gly985Val); short protein forms G985V.
Identifiers: ClinVar variation 17490 (VCV000017490.15), dbSNP rs121912827, ClinGen allele CA127230.

ClinVar aggregate classification (germline): Conflicting classifications of pathogenicity. Review status: criteria provided, conflicting classifications (1 of 4 stars). 11 submissions from 10 submitters: Likely pathogenic (7); Uncertain significance (2). 2 of the submissions do not count toward it. Last evaluated 2026-08-06.

Conditions:
Alport syndrome 3b, autosomal recessive. Identifiers: MedGen C5882699, MONDO:0957811, OMIM 620536.
Alport syndrome. Also called: Hemorrhagic familial nephritis; Hemorrhagic hereditary nephritis; Congenital hereditary hematuria. Identifiers: Orphanet 63, MedGen C1567741, MONDO:0018965.
Autosomal recessive Alport syndrome (ATS2). Also called: COL4A4 Alport Syndrome and Thin Basement Membrane Nephropathy; ALPORT SYNDROME 2, AUTOSOMAL RECESSIVE; Alport syndrome type 2; COL4A3-Related Nephropathy. Identifiers: Orphanet 63, Orphanet 88919, MedGen C4746745, MONDO:0008762, OMIM 203780.
Benign familial hematuria. Also called: thin basement membrane disease. Identifiers: MedGen C0241908, MONDO:0957317.
Autosomal dominant Alport syndrome (ATS3A). Also called: Alport syndrome dominant type; Renal failure and sensorineural hearing loss; ALPORT SYNDROME 3A, AUTOSOMAL DOMINANT. Identifiers: Orphanet 63, Orphanet 88918, MedGen C5882663, MONDO:0007086, OMIM 104200.

Allele frequency attached by ClinVar (database versions not stated): gnomAD exomes 0.00002; ExAC 0.00002.
gnomAD v4.1: 6 of 1,613,724 alleles (0.00037%); highest among the groups gnomAD compares: Admixed American, 0.0067%; no homozygotes.

Submissions (11):

OLLIN Analises Genomicas, OLLIN
Classification: Likely pathogenic for Autosomal dominant Alport syndrome. Last evaluated: 2026-08-06. Review status: criteria provided, single submitter. Criteria: ACMG Guidelines 2015 PMID 25741868. Collection method: clinical testing. Allele origin: germline. Inheritance: Autosomal dominant inheritance.
Comment: This missense variant, located in exon 35 (of 52), has been reported in ClinVar (accession VCV000017490.12) and in gnomAD with an allele frequency of 0.00037%. However, to our knowledge, it has not been reported in the scientific literature. In silico analysis predicts that this variant has a deleterious effect. Another pathogenic variant affecting the same amino acid residue has been reported. This gene is constrained for missense variation. According to the currently available evidence, this variant has been classified as likely pathogenic (PM2_P, PM5, PP2, PP3).

Centre de Génétique Humaine, Institut de Pathologie Et de Génétique
Classification: Likely pathogenic for Autosomal dominant Alport syndrome. Last evaluated: 2026-03-12. Review status: criteria provided, single submitter. Criteria: ACMG Guidelines, 2015. Collection method: clinical testing. Allele origin: germline. Inheritance: Autosomal dominant inheritance. Affected: yes. Observed: 1 variant allele, 1 heterozygote. Segregation with disease not observed.
Comment: This missense variant involves a highly conserved glycine located in a ‘Gly-X-Y’ motif in collagenous region, which is characteristic of the pathogenic variants identified in the COL4A3 gene (PM1,PP2). This variant is rare: allelic frequency of 0.00037% in gnomAD v4.1.0 database (PM2); In silico analysis supports that this missense variant has a deleterious effect (PP3). Detected in patients with AD Alport S. or FBH (PP5)

Labcorp Genetics (formerly Invitae), Labcorp
Classification: Likely pathogenic. Last evaluated: 2025-12-19. Review status: criteria provided, single submitter. Criteria: Invitae Variant Classification Sherloc (09022015). Collection method: clinical testing. Allele origin: germline.
Comment: This sequence change replaces glycine, which is neutral and non-polar, with valine, which is neutral and non-polar, at codon 985 of the COL4A3 protein (p.Gly985Val). This variant is present in population databases (rs121912827, gnomAD 0.01%). This missense change has been observed in individuals with clinical features of Alport syndrome (PMID: 11961012, 25307543). It has also been observed to segregate with disease in related individuals. ClinVar contains an entry for this variant (Variation ID: 17490). Invitae Evidence Modeling of protein sequence and biophysical properties (such as structural, functional, and spatial information, amino acid conservation, physicochemical variation, residue mobility, and thermodynamic stability) indicates that this missense variant is expected to disrupt COL4A3 protein function with a positive predictive value of 80%. In summary, the currently available evidence indicates that the variant is pathogenic, but additional data are needed to prove that conclusively. Therefore, this variant has been classified as Likely Pathogenic.

Natera, Inc.
Classification: Likely pathogenic for Alport syndrome. Last evaluated: 2025-07-23. Review status: criteria provided, single submitter. Criteria: Natera Variant Classification Schema (03/2026). Collection method: clinical testing. Allele origin: germline.
Comment: The c.2954G>T variant in COL4A3 is a missense variant predicted to cause substitution of glycine to valine at amino acid 985. This variant is rare in the general population with a frequency below the threshold expected for the associated phenotype(s). This variant has been observed in affected individual(s) with monoallelic occurrence (heterozygous/hemizygous) (PMID: 33838161, 38972501, 38317457). Additionally, this variant has been observed to segregate in affected family members (PMID: 33838161). This variant is located in a functionally critical region of the protein. Computational prediction algorithms indicate this variant is likely to affect gene or protein function. Given the available evidence, this variant is classified as Likely Pathogenic.

Victorian Clinical Genetics Services, Murdoch Childrens Research Institute
Classification: Likely pathogenic for Alport syndrome. Last evaluated: 2025-02-14. Review status: criteria provided, single submitter. Criteria: ACMG Guidelines, 2015. Collection method: clinical testing. Allele origin: germline. Affected: no.
Comment: This variant is classified as Likely pathogenic. Evidence in support of pathogenic classification: Variant is present in gnomAD <0.01 (v4: 6 heterozygote(s), 0 homozygote(s)); This variant has moderate previous evidence of pathogenicity in unrelated individuals. This variant has been classified as VUS and likely pathogenic by diagnostic laboratories in ClinVar, and has been reported in the literature in heterozygous and compound heterozygous individuals with COL4A3-related features (PMIDs: 11961012, 25307543); This variant has limited evidence for segregation with disease (PMID: 11961012); Variant is located in the well-established functional Gly-X-Y motif in the collagen triple helical domain (DECIPHER); Missense variant predicted to be damaging by in silico tool(s) or highly conserved with a major amino acid change. Additional information: Variant is predicted to result in a missense amino acid change from glycine to valine; This variant is heterozygous; This gene is associated with both recessive and dominant Alport syndrome (MONDO:0018965), COL4A3-related; Alternative amino acid change(s) at the same position are present in gnomAD (Highest allele count: v4: 5 heterozygote(s), 0 homozygote(s)); No published functional evidence has been identified for this variant; No comparable missense variants have previous evidence for pathogenicity; Dominant negative and loss of function are known mechanisms of disease in this gene and are associated with Alport syndrome (MONDO:0018965), COL4A3-related. Glycine changes that are part of a G-X-Y repeat in the triple helix of a collagen domain are known to have a dominant negative effect (PMID: 12028435).

Blueprint Genetics
Classification: Uncertain significance. Last evaluated: 2023-08-04. Review status: criteria provided, single submitter. Criteria: ACMG Guidelines, 2015. Collection method: clinical testing. Allele origin: germline.

GeneDx
Classification: Uncertain significance. Last evaluated: 2023-04-19. Review status: criteria provided, single submitter. Criteria: GeneDx Variant Classification Process June 2021. Collection method: clinical testing. Allele origin: germline. Affected: yes.
Comment: In silico analysis supports that this missense variant has a deleterious effect on protein structure/function; Affects a glycine residue in a Gly-X-Y motif in the triple helical region of the COL4A3 gene; This variant is associated with the following publications: (PMID: 11961012, 33838161)

Clinical Genetics Service, Universitary Hospital 12 de Octubre
Classification: Likely pathogenic for Alport syndrome 3b, autosomal recessive. Review status: criteria provided, single submitter. Criteria: ACMG Guidelines, 2015. Collection method: clinical testing. Allele origin: germline. Affected: yes.

Clinical Genetics Service, Universitary Hospital 12 de Octubre
Classification: Likely pathogenic for Autosomal dominant Alport syndrome. Review status: criteria provided, single submitter. Criteria: ACMG Guidelines, 2015. Collection method: clinical testing. Allele origin: germline. Affected: yes.

Counsyl
Classification: Likely pathogenic for Autosomal recessive Alport syndrome. Last evaluated: 2018-05-23. Review status: no assertion criteria provided. Collection method: clinical testing. Allele origin: unknown. Not counted in ClinVar's aggregate classification.

OMIM
Classification: Pathogenic for HEMATURIA, BENIGN FAMILIAL. Last evaluated: 2002-05-01. Review status: no assertion criteria provided. Collection method: literature only. Allele origin: germline. Not counted in ClinVar's aggregate classification.

Literature cited by the submitters: PubMed 11961012 (cited by 4 submitters); PubMed 33838161 (cited by Centre de Génétique Humaine, Institut de Pathologie Et de Génétique and Natera, Inc.); PubMed 38972501 (cited by Centre de Génétique Humaine, Institut de Pathologie Et de Génétique and Natera, Inc.); PubMed 25307543 (cited by 3 submitters); PubMed 38317457 (cited by Natera, Inc.); PubMed 12028435 (cited by Victorian Clinical Genetics Services, Murdoch Childrens Research Institute).